The following is an entry in ClinVar:

NM_001039706.3(CFAP69):c.2562C>G (p.Ser854Arg)

Gene: CFAP69 (cilia and flagella associated protein 69; plus strand). Cytogenetic location: 7q21.13.
Variant type: single nucleotide variant.
Coding change: c.2562C>G on transcript NM_001039706.3 (MANE Select); coding-DNA position 2562, C replaced by G.
Protein change: p.Ser854Arg; replaces serine 854 with arginine.
Molecular consequence: missense variant.
Genome position (GRCh38, 1-based): chr7:90,309,274, C>G. VCF-style: chr7-90309274-C-G. GRCh37 (hg19) VCF-style: chr7-89938588-C-G.
Other names: c.2508C>G, p.Ser836Arg (NM_001160138.2); c.2364C>G, p.Ser788Arg (NM_001363438.1); c.2562C>G (NM_001039706.2); short protein forms S788R, S836R, S854R.
Identifiers: ClinVar variation 1192637 (VCV001192637.6), dbSNP rs7803620, ClinGen allele CA4333857.

ClinVar aggregate classification (germline): Benign. Review status: criteria provided, multiple submitters, no conflicts (2 of 4 stars). 3 submissions from 3 submitters: Benign (2). 1 of the submissions does not count toward it. Last evaluated 2021-07-14.

Conditions:
Spermatogenic failure 24. Identifiers: MedGen C4693751, MONDO:0054728, OMIM 617959.
CFAP69-related disorder. Also called: CFAP69-related condition.

Allele frequency attached by ClinVar (database versions not stated): 1000 Genomes Project 0.92212; 1000 Genomes Project 30x 0.91677; ESP Exome Variant Server 0.85525; TOPMed 0.86832.
gnomAD v4.1: 1,292,577 of 1,506,276 alleles (86%); highest among the groups gnomAD compares: East Asian, 100%; 556,152 homozygotes.

Submissions (3):

Genome-Nilou Lab
Classification: Benign for Spermatogenic failure 24. Last evaluated: 2021-07-14. Review status: criteria provided, single submitter. Criteria: ACMG Guidelines, 2015. Collection method: clinical testing. Allele origin: germline. Affected: no.

Breakthrough Genomics
Classification: Benign. Review status: criteria provided, single submitter. Criteria: ACMG Guidelines, 2015. Collection method: not provided. Allele origin: germline. Inheritance: Autosomal recessive inheritance. Affected: yes.

PreventionGenetics, part of Exact Sciences
Classification: Benign for CFAP69-related condition. Last evaluated: 2019-10-16. Review status: no assertion criteria provided. Collection method: clinical testing. Allele origin: germline. Not counted in ClinVar's aggregate classification.
Comment: This variant is classified as benign based on ACMG/AMP sequence variant interpretation guidelines (Richards et al. 2015 PMID: 25741868, with internal and published modifications).